The following is an entry in ClinVar:

NM_001329943.3(KIAA0586):c.2704G>C (p.Asp902His)

Gene: KIAA0586 (KIAA0586; plus strand). Cytogenetic location: 14q23.1.
Variant type: single nucleotide variant.
Coding change: c.2704G>C on transcript NM_001329943.3 (MANE Select); coding-DNA position 2704, G replaced by C.
Protein change: p.Asp902His; replaces aspartic acid 902 with histidine.
Molecular consequence: missense variant.
Genome position (GRCh38, 1-based): chr14:58,474,676, G>C. VCF-style: chr14-58474676-G-C. GRCh37 (hg19) VCF-style: chr14-58941394-G-C.
Other names: c.2863G>C, p.Asp955His (NM_001244189.2); c.2659G>C, p.Asp887His (NM_001244190.2); c.2449G>C, p.Asp817His (NM_001244191.2, NM_001329945.2, NM_001364700.1 and 1 more transcripts); c.2572G>C, p.Asp858His (NM_001244192.2); c.2284G>C, p.Asp762His (NM_001244193.2); c.2704G>C, p.Asp902His (NM_001329944.2, NM_001329946.2, NM_001329947.2); c.2476G>C, p.Asp826His (NM_014749.5); c.2863G>C (NM_001244189.1); short protein forms D762H, D902H, D817H, D858H, D955H, D826H, D887H.
Identifiers: ClinVar variation 2339260 (VCV002339260.3), dbSNP rs2041470780, ClinGen allele CA389877807.

ClinVar aggregate classification (germline): Uncertain significance. Review status: criteria provided, multiple submitters, no conflicts (2 of 4 stars). 2 submissions from 2 submitters: Uncertain significance (2). Last evaluated 2024-10-21.

Conditions:
Inborn genetic diseases. Identifiers: MedGen C0950123, MeSH D030342.

Allele frequency attached by ClinVar (database versions not stated): TOPMed below 0.00001.

Submissions (2):

GeneDx
Classification: Uncertain significance. Last evaluated: 2024-10-21. Review status: criteria provided, single submitter. Criteria: GeneDx Variant Classification Process June 2021. Collection method: clinical testing. Allele origin: germline. Affected: yes.
Comment: Not observed at significant frequency in large population cohorts (gnomAD); In silico analysis indicates that this missense variant does not alter protein structure/function; Has not been previously published as pathogenic or benign to our knowledge

Ambry Genetics
Classification: Uncertain significance for Inborn genetic diseases. Last evaluated: 2022-12-27. Review status: criteria provided, single submitter. Criteria: Ambry Variant Classification Scheme 2023. Collection method: clinical testing. Allele origin: germline.